The following is an entry in ClinVar:

NM_001854.4(COL11A1):c.1718C>T (p.Thr573Met)

Gene: COL11A1 (collagen type XI alpha 1 chain; minus strand). Cytogenetic location: 1p21.1.
Variant type: single nucleotide variant.
Coding change: c.1718C>T on transcript NM_001854.4 (MANE Select); coding-DNA position 1718, C replaced by T.
Protein change: p.Thr573Met; replaces threonine 573 with methionine.
Molecular consequence: missense variant. On other transcripts: non-coding transcript variant (1).
Genome position (GRCh38, 1-based): chr1:103,006,281, G>A on the plus strand (C>T on the coding strand, the complement: COL11A1 is on the minus strand). VCF-style: chr1-103006281-G-A. GRCh37 (hg19) VCF-style: chr1-103471837-G-A.
Other names: c.1601C>T, p.Thr534Met (NM_001190709.2); c.1754C>T, p.Thr585Met (NM_080629.3); c.1370C>T, p.Thr457Met (NM_080630.4); short protein forms T457M, T534M, T573M, T585M.
Identifiers: ClinVar variation 1219087 (VCV001219087.12), dbSNP rs202011565, ClinGen allele CA974855.

ClinVar aggregate classification (germline): Conflicting classifications of pathogenicity. Review status: criteria provided, conflicting classifications (1 of 4 stars). 5 submissions from 5 submitters: Uncertain significance (4); Benign (1). Last evaluated 2026-09-22.

Conditions:
COL11A1-related disorder. Also called: COL11A1-related disorders; COL11A1-related condition.
Inborn genetic diseases. Identifiers: MedGen C0950123, MeSH D030342.

Allele frequency attached by ClinVar (database versions not stated): ExAC 0.00002; 1000 Genomes Project 30x 0.00016; 1000 Genomes Project 0.00020.
gnomAD v4.1: 24 of 1,608,908 alleles (0.0015%); highest among the groups gnomAD compares: Middle Eastern, 0.033%; no homozygotes.

Submissions (5):

PreventionGenetics, part of Exact Sciences
Classification: Uncertain significance for COL11A1-related condition. Last evaluated: 2026-09-22. Review status: criteria provided, single submitter. Criteria: ACMG Guidelines, 2015. Collection method: clinical testing. Allele origin: germline.
Comment: The COL11A1 c.1718C>T variant is predicted to result in the amino acid substitution p.Thr573Met. To our knowledge, this variant has not been reported in the literature. This variant is reported in 0.013% of alleles in individuals of African descent in gnomAD. At this time, the clinical significance of this variant is uncertain due to the absence of conclusive functional and genetic evidence.

Ambry Genetics
Classification: Uncertain significance for Inborn genetic diseases. Last evaluated: 2025-12-02. Review status: criteria provided, single submitter. Criteria: Ambry Variant Classification Scheme 2023. Collection method: clinical testing. Allele origin: germline.

Labcorp Genetics (formerly Invitae), Labcorp
Classification: Benign. Last evaluated: 2025-10-13. Review status: criteria provided, single submitter. Criteria: Invitae Variant Classification Sherloc (09022015). Collection method: clinical testing. Allele origin: germline.

Blueprint Genetics
Classification: Uncertain significance. Last evaluated: 2023-03-21. Review status: criteria provided, single submitter. Criteria: ACMG Guidelines, 2015. Collection method: clinical testing. Allele origin: germline.

GeneDx
Classification: Uncertain significance. Last evaluated: 2019-08-26. Review status: criteria provided, single submitter. Criteria: GeneDx Variant Classification Process June 2021. Collection method: clinical testing. Allele origin: germline. Affected: yes.
Comment: In silico analysis, which includes protein predictors and evolutionary conservation, supports that this variant does not alter protein structure/function; Has not been previously published as pathogenic or benign to our knowledge